The following is an entry in ClinVar:

ClinVar aggregate classification (germline): Conflicting classifications of pathogenicity. Review status: criteria provided, conflicting classifications (1 of 4 stars). 3 submissions from 3 submitters: Uncertain significance (1); Likely benign (2). Last evaluated 2024-07-28.

Conditions:
Hereditary cancer-predisposing syndrome. Also called: Hereditary Cancer Syndrome; Neoplastic Syndromes, Hereditary; Hereditary neoplastic syndrome; Tumor predisposition. Identifiers: Orphanet 140162, MedGen C0027672, MeSH D009386, MONDO:0015356.
Breast-ovarian cancer, familial, susceptibility to, 2 (BROVCA2). Also called: BRCA2 Hereditary Breast and Ovarian Cancer. Identifiers: Orphanet 145, MedGen C2675520, MONDO:0012933, OMIM 612555. Disease mechanism: loss of function.

Submissions (3):

Ambry Genetics
Classification: Uncertain significance for Hereditary cancer-predisposing syndrome. Last evaluated: 2024-07-28. Review status: criteria provided, single submitter. Criteria: Ambry Variant Classification Scheme 2023. Collection method: clinical testing. Allele origin: germline.
Comment: The p.S1971C variant (also known as c.5912C>G), located in coding exon 10 of the BRCA2 gene, results from a C to G substitution at nucleotide position 5912. The serine at codon 1971 is replaced by cysteine, an amino acid with dissimilar properties. This amino acid position is conserved. In addition, this alteration is predicted to be tolerated by in silico analysis. Based on the available evidence, the clinical significance of this variant remains unclear.

University of Washington Department of Laboratory Medicine, University of Washington
Classification: Likely benign for Hereditary cancer-predisposing syndrome. Last evaluated: 2023-03-23. Review status: criteria provided, single submitter. Criteria: Dines et al. (Genet Med. 2020). Collection method: curation. Allele origin: germline.
Comment: Missense variant in a coldspot region where missense variants are very unlikely to be pathogenic (PMID:31911673).

BRCA2 exon 11 coldspot. Reclassification based on statistical prior probability.

Mendelics
Classification: Likely benign for Breast-ovarian cancer, familial, susceptibility to, 2. Last evaluated: 2019-05-28. Review status: criteria provided, single submitter. Criteria: Mendelics Assertion Criteria 2017. Collection method: clinical testing. Allele origin: unknown.

NM_000059.4(BRCA2):c.5912C>G (p.Ser1971Cys)

Gene: BRCA2 (BRCA2 DNA repair associated; plus strand). Cytogenetic location: 13q13.1.
Variant type: single nucleotide variant.
Coding change: c.5912C>G on transcript NM_000059.4 (MANE Select); coding-DNA position 5912, C replaced by G.
Protein change: p.Ser1971Cys; replaces serine 1971 with cysteine.
Molecular consequence: missense variant.
Genome position (GRCh38, 1-based): chr13:32,340,267, C>G. VCF-style: chr13-32340267-C-G. GRCh37 (hg19) VCF-style: chr13-32914404-C-G.
Other names: c.5912C>G (NM_000059.3); short protein forms S1971C.
Identifiers: ClinVar variation 802936 (VCV000802936.4), dbSNP rs1593906913, ClinGen allele CA387787517.